The following is an entry in ClinVar:

ClinVar aggregate classification (germline): Uncertain significance (1 of 4 stars; one submission).

Allele frequency attached by ClinVar (database versions not stated): ExAC 0.00001; gnomAD exomes 0.00003.
gnomAD v4.1: 38 of 1,613,850 alleles (0.0024%); highest among the groups gnomAD compares: Non-Finnish European, 0.0031%; no homozygotes.

Submission:

Ambry Genetics
Classification: Uncertain significance. Last evaluated: 2023-09-06. Review status: criteria provided, single submitter. Criteria: Ambry Variant Classification Scheme 2023. Collection method: clinical testing. Allele origin: germline.
Comment: The p.Q719E variant (also known as c.2155C>G), located in coding exon 18 of the BUB1 gene, results from a C to G substitution at nucleotide position 2155. The glutamine at codon 719 is replaced by glutamic acid, an amino acid with highly similar properties. This amino acid position is conserved. In addition, this alteration is predicted to be tolerated by in silico analysis. Since supporting evidence is limited at this time, the clinical significance of this alteration remains unclear.

NM_004336.5(BUB1):c.2155C>G (p.Gln719Glu)

Gene: BUB1 (BUB1 mitotic checkpoint serine/threonine kinase; minus strand). Cytogenetic location: 2q13.
Variant type: single nucleotide variant.
Coding change: c.2155C>G on transcript NM_004336.5 (MANE Select); coding-DNA position 2155, C replaced by G.
Protein change: p.Gln719Glu; replaces glutamine 719 with glutamic acid.
Molecular consequence: missense variant.
Genome position (GRCh38, 1-based): chr2:110,650,594, G>C on the plus strand (C>G on the coding strand, the complement: BUB1 is on the minus strand). VCF-style: chr2-110650594-G-C. GRCh37 (hg19) VCF-style: chr2-111408171-G-C.
Other names: c.2095C>G, p.Gln699Glu (NM_001278616.2); c.2155C>G, p.Gln719Glu (NM_001278617.2); short protein forms Q699E, Q719E.
Identifiers: ClinVar variation 1786804 (VCV001786804.3), dbSNP rs766659533, ClinGen allele CA1827883.